The following is an entry in ClinVar:

ClinVar aggregate classification (germline): Benign/Likely benign. Review status: criteria provided, multiple submitters, no conflicts (2 of 4 stars). 6 submissions from 6 submitters: Benign (3); Likely benign (3). Last evaluated 2026-02-04.

Conditions:
Hereditary breast ovarian cancer syndrome. Also called: Hereditary breast and ovarian cancer syndrome (HBOC); Breast and ovarian cancer; Hereditary breast and ovarian cancer syndrome; Hereditary breast and ovarian cancer; Hereditary breast and/or ovarian cancer syndrome; BRCA1- and BRCA2-Associated Hereditary Breast and Ovarian Cancer. Identifiers: Orphanet 145, MedGen C0677776, MeSH D061325, MONDO:0003582. Disease mechanism: loss of function.
Fanconi anemia complementation group D2. Also called: FANCD2-Related Fanconi Anemia; FANCONI PANCYTOPENIA, TYPE 4; FANCONI ANEMIA, COMPLEMENTATION GROUP D. Identifiers: Orphanet 84, MedGen C3160738, MONDO:0009214, OMIM 227646.
Fanconi anemia (FA). Also called: Fanconi's anemia. Identifiers: Orphanet 84, MedGen C0015625, MeSH D005199, MONDO:0019391.

Allele frequency attached by ClinVar (database versions not stated): gnomAD 0.00770 and 0.00761; TOPMed 0.00772; ExAC 0.00775; gnomAD exomes 0.00809 and 0.01014; 1000 Genomes Project 30x 0.00359; ESP Exome Variant Server 0.00861; 1000 Genomes Project 0.00419.

Submissions (6):

Labcorp Genetics (formerly Invitae), Labcorp
Classification: Benign for Fanconi anemia. Last evaluated: 2026-02-04. Review status: criteria provided, single submitter. Criteria: Invitae Variant Classification Sherloc (09022015). Collection method: clinical testing. Allele origin: germline.

ARUP Laboratories, Molecular Genetics and Genomics, ARUP Laboratories
Classification: Benign for Fanconi anemia complementation group D2. Last evaluated: 2025-07-14. Review status: criteria provided, single submitter. Criteria: ARUP Molecular Germline Variant Investigation Process 2024. Collection method: clinical testing. Allele origin: germline.

National Health Laboratory Service, Universitas Academic Hospital and University of the Free State
Classification: Benign for Hereditary breast ovarian cancer syndrome. Last evaluated: 2022-04-19. Review status: criteria provided, single submitter. Criteria: ACMG Guidelines, 2015. Collection method: clinical testing. Allele origin: germline. Affected: yes. Observed: 1 variant allele.

Fulgent Genetics
Classification: Likely benign for Fanconi anemia complementation group D2. Last evaluated: 2021-12-28. Review status: criteria provided, single submitter. Criteria: ACMG Guidelines, 2015. Collection method: clinical testing. Allele origin: unknown.

Illumina Laboratory Services, Illumina
Classification: Likely benign for Fanconi anemia complementation group D2. Last evaluated: 2018-01-13. Review status: criteria provided, single submitter. Criteria: ICSL Variant Classification Criteria 13 December 2019. Collection method: clinical testing. Allele origin: germline.
Comment: This variant was observed in the ICSL laboratory as part of a predisposition screen in an ostensibly healthy population. It had not been previously curated by ICSL or reported in the Human Gene Mutation Database (HGMD: prior to June 1st, 2018), and was therefore a candidate for classification through an automated scoring system. Utilizing variant allele frequency, disease prevalence and penetrance estimates, and inheritance mode, an automated score was calculated to assess if this variant is too frequent to cause the disease. Based on the score and internal cut-off values, a variant classified as likely benign is not then subjected to further curation. The score for this variant resulted in a classification of likely benign for this disease.

Breakthrough Genomics
Classification: Likely benign. Review status: criteria provided, single submitter. Criteria: ACMG Guidelines, 2015. Collection method: not provided. Allele origin: germline. Inheritance: Autosomal recessive inheritance. Affected: yes.

NM_001018115.3(FANCD2):c.3105+15C>T

Gene: FANCD2 (FA complementation group D2; plus strand). Cytogenetic location: 3p25.3.
Variant type: single nucleotide variant.
Coding change: c.3105+15C>T on transcript NM_001018115.3 (MANE Select); 15 bases into the intron after coding-DNA position 3105, C replaced by T.
Molecular consequence: intron variant.
Genome position (GRCh38, 1-based): chr3:10,081,243, C>T. VCF-style: chr3-10081243-C-T. GRCh37 (hg19) VCF-style: chr3-10122927-C-T.
Other names: c.3105+15C>T (NM_001319984.2, NM_033084.6, NM_001374254.1 and 1 more transcripts); c.2994+15C>T (NM_001374253.1).
Identifiers: ClinVar variation 342373 (VCV000342373.16), dbSNP rs460965, ClinGen allele CA2250275.